The following is an entry in ClinVar:

ClinVar aggregate classification (germline): Uncertain significance (1 of 4 stars; one submission).

Conditions:
Arrhythmogenic right ventricular dysplasia 5. Also called: ARRHYTHMOGENIC RIGHT VENTRICULAR DYSPLASIA, FAMILIAL, 5; Arrhythmogenic Right Ventricular Dysplasia/Cardiomyopathy 5. Identifiers: MedGen C1858379, MONDO:0011459, OMIM 604400.

Submission:

Labcorp Genetics (formerly Invitae), Labcorp
Classification: Uncertain significance for Arrhythmogenic right ventricular dysplasia 5. Last evaluated: 2021-08-26. Review status: criteria provided, single submitter. Criteria: Invitae Variant Classification Sherloc (09022015). Collection method: clinical testing. Allele origin: germline.
Comment: This sequence change replaces alanine with threonine at codon 81 of the TMEM43 protein (p.Ala81Thr). The alanine residue is weakly conserved and there is a small physicochemical difference between alanine and threonine. This variant is not present in population databases (ExAC no frequency). This variant has not been reported in the literature in individuals affected with TMEM43-related conditions. Algorithms developed to predict the effect of missense changes on protein structure and function (SIFT, PolyPhen-2, Align-GVGD) all suggest that this variant is likely to be tolerated. In summary, the available evidence is currently insufficient to determine the role of this variant in disease. Therefore, it has been classified as a Variant of Uncertain Significance.

NM_024334.3(TMEM43):c.241G>A (p.Ala81Thr)

Gene: TMEM43 (transmembrane protein 43; plus strand). Cytogenetic location: 3p25.1.
Variant type: single nucleotide variant.
Coding change: c.241G>A on transcript NM_024334.3 (MANE Select); coding-DNA position 241, G replaced by A.
Protein change: p.Ala81Thr; replaces alanine 81 with threonine.
Molecular consequence: missense variant.
Genome position (GRCh38, 1-based): chr3:14,130,900, G>A. VCF-style: chr3-14130900-G-A. GRCh37 (hg19) VCF-style: chr3-14172400-G-A.
Other names: short protein forms A81T.
Identifiers: ClinVar variation 967172 (VCV000967172.6), dbSNP rs1695085843, ClinGen allele CA351534636.